The following is an entry in ClinVar:

ClinVar aggregate classification (germline): Uncertain significance (1 of 4 stars; one submission).

Conditions:
Familial cold autoinflammatory syndrome 3 (FCAS3). Also called: FAMILIAL ATYPICAL COLD URTICARIA; ANTIBODY DEFICIENCY AND IMMUNE DYSREGULATION, PLCG2-ASSOCIATED. Identifiers: Orphanet 300359, MedGen C3280914, MONDO:0013766, OMIM 614468.

Allele frequency attached by ClinVar (database versions not stated): gnomAD exomes below 0.00001; TOPMed below 0.00001; ExAC 0.00001; gnomAD 0.00001.
gnomAD v4.1: 5 of 1,610,970 alleles (0.00031%); highest among the groups gnomAD compares: Non-Finnish European, 0.00042%; no homozygotes.

Submission:

Labcorp Genetics (formerly Invitae), Labcorp
Classification: Uncertain significance for Familial cold autoinflammatory syndrome 3. Last evaluated: 2024-03-10. Review status: criteria provided, single submitter. Criteria: Invitae Variant Classification Sherloc (09022015). Collection method: clinical testing. Allele origin: germline.
Comment: This sequence change replaces glutamic acid, which is acidic and polar, with glycine, which is neutral and non-polar, at codon 834 of the PLCG2 protein (p.Glu834Gly). This variant is present in population databases (rs754958154, gnomAD 0.002%). This variant has not been reported in the literature in individuals affected with PLCG2-related conditions. ClinVar contains an entry for this variant (Variation ID: 1502233). An algorithm developed to predict the effect of missense changes on protein structure and function (PolyPhen-2) suggests that this variant is likely to be tolerated. In summary, the available evidence is currently insufficient to determine the role of this variant in disease. Therefore, it has been classified as a Variant of Uncertain Significance.

NM_002661.5(PLCG2):c.2501A>G (p.Glu834Gly)

Gene: PLCG2 (phospholipase C gamma 2; plus strand). Cytogenetic location: 16q23.3.
Variant type: single nucleotide variant.
Coding change: c.2501A>G on transcript NM_002661.5 (MANE Select); coding-DNA position 2501, A replaced by G.
Protein change: p.Glu834Gly; replaces glutamic acid 834 with glycine.
Molecular consequence: missense variant.
Genome position (GRCh38, 1-based): chr16:81,927,165, A>G. VCF-style: chr16-81927165-A-G. GRCh37 (hg19) VCF-style: chr16-81960770-A-G.
Other names: short protein forms E834G.
Identifiers: ClinVar variation 1502233 (VCV001502233.8), dbSNP rs754958154, ClinGen allele CA8194295.